The following is an entry in ClinVar:

ClinVar aggregate classification (germline): Uncertain significance (1 of 4 stars; one submission).

Conditions:
Multiple endocrine neoplasia, type 2 (MEN2). Identifiers: Orphanet 653, MedGen C4048306, MONDO:0019003. Disease mechanism: gain of function.

Submission:

Labcorp Genetics (formerly Invitae), Labcorp
Classification: Uncertain significance for Multiple endocrine neoplasia, type 2. Last evaluated: 2025-05-22. Review status: criteria provided, single submitter. Criteria: Invitae Variant Classification Sherloc (09022015). Collection method: clinical testing. Allele origin: germline.
Comment: This sequence change replaces isoleucine, which is neutral and non-polar, with valine, which is neutral and non-polar, at codon 955 of the RET protein (p.Ile955Val). This variant is not present in population databases (gnomAD no frequency). This variant has not been reported in the literature in individuals affected with RET-related conditions. An algorithm developed to predict the effect of missense changes on protein structure and function (PolyPhen-2) suggests that this variant is likely to be tolerated. In summary, the available evidence is currently insufficient to determine the role of this variant in disease. Therefore, it has been classified as a Variant of Uncertain Significance.

NM_020975.6(RET):c.2863A>G (p.Ile955Val)

Gene: RET (ret proto-oncogene; plus strand). Cytogenetic location: 10q11.21.
Variant type: single nucleotide variant.
Coding change: c.2863A>G on transcript NM_020975.6 (MANE Select); coding-DNA position 2863, A replaced by G.
Protein change: p.Ile955Val; replaces isoleucine 955 with valine.
Molecular consequence: missense variant.
Genome position (GRCh38, 1-based): chr10:43,123,732, A>G. VCF-style: chr10-43123732-A-G. GRCh37 (hg19) VCF-style: chr10-43619180-A-G.
Other names: c.2101A>G, p.Ile701Val (NM_001355216.2); c.2863A>G, p.Ile955Val (NM_001406743.1, NM_001406744.1, NM_001406759.1 and 2 more transcripts); c.2734A>G, p.Ile912Val (NM_001406761.1, NM_001406762.1, NM_001406764.1); c.2728A>G, p.Ile910Val (NM_001406763.1, NM_001406765.1); c.2575A>G, p.Ile859Val (NM_001406766.1, NM_001406767.1, NM_001406770.1); c.2599A>G, p.Ile867Val (NM_001406768.1); c.2467A>G, p.Ile823Val (NM_001406769.1, NM_001406772.1); c.2425A>G, p.Ile809Val (NM_001406771.1, NM_001406773.1); and 10 more; short protein forms I472V, I611V, I625V, I823V, I867V, I520V, I560V, I809V.
Identifiers: ClinVar variation 4719985 (VCV004719985.1).
Genomic context (GRCh38, chr10:43,123,732, plus strand): 5'-TGGTCTTTTGGTGTCCTGCTGTGGGAGATCGTGACCCTAGGGGGAAACCCCTATCCTGGG[A>G]TTCCTCCTGAGCGGCTCTTCAACCTTCTGAAGACCGGCCACCGGATGGAGAGGCCAGACA-3'
Protein context (NP_066124.1, residues 945-965): VTLGGNPYPG[Ile955Val]PPERLFNLLK